The following is an entry in ClinVar:

NM_020937.4(FANCM):c.2041T>G (p.Ser681Ala)

Gene: FANCM (FA complementation group M; plus strand). Cytogenetic location: 14q21.2.
Variant type: single nucleotide variant.
Coding change: c.2041T>G on transcript NM_020937.4 (MANE Select); coding-DNA position 2041, T replaced by G.
Protein change: p.Ser681Ala; replaces serine 681 with alanine.
Molecular consequence: missense variant.
Genome position (GRCh38, 1-based): chr14:45,170,627, T>G. VCF-style: chr14-45170627-T-G. GRCh37 (hg19) VCF-style: chr14-45639830-T-G.
Other names: c.1963T>G, p.Ser655Ala (NM_001308133.2); short protein forms S681A, S655A.
Identifiers: ClinVar variation 5021543 (VCV005021543.1).

ClinVar aggregate classification (germline): Uncertain significance (1 of 4 stars; one submission).

Conditions:
Inborn genetic diseases. Identifiers: MedGen C0950123, MeSH D030342.

Submission:

Ambry Genetics
Classification: Uncertain significance for Inborn genetic diseases. Last evaluated: 2026-09-06. Review status: criteria provided, single submitter. Criteria: Ambry Variant Classification Scheme 2023. Collection method: clinical testing. Allele origin: germline.
Comment: The p.S681A variant (also known as c.2041T>G), located in coding exon 12 of the FANCM gene, results from a T to G substitution at nucleotide position 2041. The serine at codon 681 is replaced by alanine, an amino acid with similar properties. This amino acid position is conserved. In addition, this alteration is predicted to be tolerated by in silico analysis. Based on the available evidence, the clinical significance of this variant remains unclear.